The following is an entry in ClinVar:

ClinVar aggregate classification (germline): Conflicting classifications of pathogenicity. Review status: criteria provided, conflicting classifications (1 of 4 stars). 4 submissions from 4 submitters: Uncertain significance (1); Likely benign (2). 1 of the submissions does not count toward it. Last evaluated 2025-08-09.

Conditions:
CAPN12-related disorder. Also called: CAPN12-related condition.

Allele frequency attached by ClinVar (database versions not stated): gnomAD exomes 0.00023; ExAC 0.00032; ESP Exome Variant Server 0.00069; gnomAD 0.00105 and 0.00108; TOPMed 0.00137; 1000 Genomes Project 0.00200; 1000 Genomes Project 30x 0.00281.
gnomAD v4.1: 324 of 1,614,100 alleles (0.02%); highest among the groups gnomAD compares: African/African-American, 0.3%; 1 homozygote.

Submissions (4):

Ambry Genetics
Classification: Uncertain significance. Last evaluated: 2025-08-09. Review status: criteria provided, single submitter. Criteria: Ambry Variant Classification Scheme 2023. Collection method: clinical testing. Allele origin: germline.

Labcorp Genetics (formerly Invitae), Labcorp
Classification: Likely benign. Last evaluated: 2018-06-27. Review status: criteria provided, single submitter. Criteria: Invitae Variant Classification Sherloc (09022015). Collection method: clinical testing. Allele origin: germline.

Breakthrough Genomics
Classification: Likely benign. Review status: criteria provided, single submitter. Criteria: ACMG Guidelines, 2015. Collection method: not provided. Allele origin: germline. Inheritance: Unknown mechanism. Affected: yes.

PreventionGenetics, part of Exact Sciences
Classification: Likely benign for CAPN12-related condition. Last evaluated: 2022-05-16. Review status: no assertion criteria provided. Collection method: clinical testing. Allele origin: germline. Not counted in ClinVar's aggregate classification.
Comment: This variant is classified as likely benign based on ACMG/AMP sequence variant interpretation guidelines (Richards et al. 2015 PMID: 25741868, with internal and published modifications).

NM_144691.4(CAPN12):c.520A>G (p.Asn174Asp)

Gene: CAPN12 (calpain 12; minus strand). Cytogenetic location: 19q13.2.
Variant type: single nucleotide variant.
Coding change: c.520A>G on transcript NM_144691.4 (MANE Select); coding-DNA position 520, A replaced by G.
Protein change: p.Asn174Asp; replaces asparagine 174 with aspartic acid.
Molecular consequence: missense variant.
Genome position (GRCh38, 1-based): chr19:38,741,817, T>C on the plus strand (A>G on the coding strand, the complement: CAPN12 is on the minus strand). VCF-style: chr19-38741817-T-C. GRCh37 (hg19) VCF-style: chr19-39232457-T-C.
Other names: c.520A>G (NM_144691.3); short protein forms N174D.
Identifiers: ClinVar variation 708846 (VCV000708846.7), dbSNP rs115604294, ClinGen allele CA9419169.